The following is an entry in ClinVar:

NM_018297.4(NGLY1):c.1882del (p.Gln628fs)

Gene: NGLY1 (N-glycanase 1; minus strand). Cytogenetic location: 3p24.2.
Variant type: Deletion.
Coding change: c.1882del on transcript NM_018297.4 (MANE Select); coding-DNA position 1882, one base deleted (C; older notation c.1882delC).
Protein change: p.Gln628fs; shifts the reading frame from glutamine 628.
Molecular consequence: frameshift variant. On other transcripts: 3 prime UTR variant (1).
Genome position (GRCh38, 1-based): chr3:25,719,543, G deleted on the plus strand (C on the coding strand, the reverse complement: NGLY1 is on the minus strand). VCF-style (leftmost placement, unchanged base first): chr3-25719542-TG-T. GRCh37 (hg19) VCF-style: chr3-25761033-TG-T.
Other names: c.*27del (NM_001145295.2); c.1828del, p.Gln610fs (NM_001145293.2); c.1756del, p.Gln586fs (NM_001145294.2); short protein forms Q586fs, Q628fs, Q610fs.
Identifiers: ClinVar variation 2015044 (VCV002015044.4), dbSNP rs2470478564, ClinGen allele CA2580069208.
Genomic context (GRCh38, chr3:25,719,542, plus strand): 5'-ATTATCTCCAAACAATTTTCTTCATGGTCATTTAAGCTTTGTCTAAACAGCTGGGTGTGT[TG>T]CCAAGCGACATCACCATCTCCTCTGCTTAATTCTGCTTCCAAAATAACTTCAGTGGCACC-3'

ClinVar aggregate classification (germline): Pathogenic (1 of 4 stars; one submission).

Conditions:
Congenital disorder of deglycosylation (CDDG). Identifiers: MedGen C3808991, MONDO:0031376.

Submission:

Labcorp Genetics (formerly Invitae), Labcorp
Classification: Pathogenic for Congenital disorder of deglycosylation. Last evaluated: 2025-09-02. Review status: criteria provided, single submitter. Criteria: Invitae Variant Classification Sherloc (09022015). Collection method: clinical testing. Allele origin: germline.
Comment: This sequence change creates a premature translational stop signal (p.Gln628Asnfs*10) in the NGLY1 gene. While this is not anticipated to result in nonsense mediated decay, it is expected to disrupt the last 27 amino acid(s) of the NGLY1 protein. This variant is not present in population databases (gnomAD no frequency). This variant has not been reported in the literature in individuals affected with NGLY1-related conditions. ClinVar contains an entry for this variant (Variation ID: 2015044). This variant disrupts a region of the NGLY1 protein in which other variant(s) (p.Gln631Serfs*7) have been determined to be pathogenic (PMID: 22581936, 24651605, 25900930, 30740912). This suggests that this is a clinically significant region of the protein, and that variants that disrupt it are likely to be disease-causing. For these reasons, this variant has been classified as Pathogenic.

Literature cited by the submitters: PubMed 22581936; PubMed 24651605; PubMed 25900930; PubMed 30740912.